The following is an entry in ClinVar:

ClinVar aggregate classification (germline): Pathogenic (1 of 4 stars; one submission).

Conditions:
Dilated cardiomyopathy 1KK (CMD1KK). Identifiers: Orphanet 154, Orphanet 75249, MedGen C3714995, MONDO:0014100, OMIM 615248.

Submission:

Labcorp Genetics (formerly Invitae), Labcorp
Classification: Pathogenic for Dilated cardiomyopathy 1KK. Last evaluated: 2021-05-18. Review status: criteria provided, single submitter. Criteria: Invitae Variant Classification Sherloc (09022015). Collection method: clinical testing. Allele origin: germline.
Comment: For these reasons, this variant has been classified as Pathogenic. This variant has not been reported in the literature in individuals with MYPN-related conditions. This sequence change creates a premature translational stop signal (p.Pro1135Thrfs*10) in the MYPN gene. It is expected to result in an absent or disrupted protein product. Loss-of-function variants in MYPN are known to be pathogenic (PMID: 28017374). This variant is not present in population databases (ExAC no frequency).

Literature cited by the submitters: PubMed 28017374.

NM_032578.4(MYPN):c.3403_3404del (p.Pro1135fs)

Gene: MYPN (myopalladin; plus strand). Cytogenetic location: 10q21.3.
Variant type: Deletion.
Coding change: c.3403_3404del on transcript NM_032578.4 (MANE Select); coding-DNA positions 3403 to 3404, 2 bases deleted (CC; older notation c.3403_3404delCC).
Protein change: p.Pro1135fs; shifts the reading frame from proline 1135.
Molecular consequence: frameshift variant. On other transcripts: non-coding transcript variant (2).
Genome position (GRCh38, 1-based): chr10:68,199,485-68,199,486, CC deleted; deleting any 2 consecutive bases within chr10:68,199,484-68,199,486 gives the same sequence; the c. name uses the placement nearest the transcript's 3' end. VCF-style (leftmost placement, unchanged base first): chr10-68199483-ACC-A. GRCh37 (hg19) VCF-style: chr10-69959240-ACC-A.
Other names: c.3403_3404del, p.Pro1135fs (NM_001256267.2); c.2521_2522del, p.Pro841fs (NM_001256268.2); short protein forms P1135fs, P841fs.
Identifiers: ClinVar variation 1362406 (VCV001362406.6), dbSNP rs2134300034, ClinGen allele CA2573145235.